The following is an entry in ClinVar:

ClinVar aggregate classification (germline): Pathogenic/Likely pathogenic. Review status: criteria provided, multiple submitters, no conflicts (2 of 4 stars). 2 submissions from 2 submitters: Pathogenic (1); Likely pathogenic (1). Last evaluated 2023-03-31.

Conditions:
DNAH9-related disorder. Also called: DNAH9-related condition.

Submissions (2):

Labcorp Genetics (formerly Invitae), Labcorp
Classification: Pathogenic. Last evaluated: 2023-03-31. Review status: criteria provided, single submitter. Criteria: Invitae Variant Classification Sherloc (09022015). Collection method: clinical testing. Allele origin: germline.
Comment: This sequence change creates a premature translational stop signal (p.Asn780Thrfs*39) in the DNAH9 gene. It is expected to result in an absent or disrupted protein product. Loss-of-function variants in DNAH9 are known to be pathogenic (PMID: 30471718). This variant is not present in population databases (gnomAD no frequency). This variant has not been reported in the literature in individuals affected with DNAH9-related conditions. For these reasons, this variant has been classified as Pathogenic.

Blueprint Genetics
Classification: Likely pathogenic for DNAH9-related disorders. Last evaluated: 2022-01-04. Review status: criteria provided, single submitter. Criteria: ACMG Guidelines, 2015. Collection method: clinical testing. Allele origin: germline. Affected: yes. Observed: 1 variant allele.

Literature cited by the submitters: PubMed 30471718 (cited by Labcorp Genetics (formerly Invitae), Labcorp).

NM_001372.4(DNAH9):c.2339del (p.Asn780fs)

Gene: DNAH9 (dynein axonemal heavy chain 9; plus strand). Cytogenetic location: 17p12.
Variant type: Deletion.
Coding change: c.2339del on transcript NM_001372.4 (MANE Select); coding-DNA position 2339, one base deleted (A; older notation c.2339delA).
Protein change: p.Asn780fs; shifts the reading frame from asparagine 780.
Molecular consequence: frameshift variant.
Genome position (GRCh38, 1-based): chr17:11,651,310, A deleted; the last of 2 consecutive A bases (chr17:11,651,309-11,651,310); deleting either gives the same sequence. VCF-style (leftmost placement, unchanged base first): chr17-11651308-GA-G. GRCh37 (hg19) VCF-style: chr17-11554625-GA-G.
Other names: short protein forms N780fs.
Identifiers: ClinVar variation 2851206 (VCV002851206.4), dbSNP rs2544301732, ClinGen allele CA2739267146.
Genomic context (GRCh38, chr17:11,651,308, plus strand): 5'-ATTAGTGGAGGAAGAGCTGCAAAATATTGATCTCCGCCTCAGAGCAGCAGAGGAGACTTT[GA>G]ACTGGAAAACAGAAGGTAACAGGGCACCATCTGAAGTCTGACAAAAACATGGAGATTCGA-3'